The following is an entry in ClinVar:

NM_001992.5(F2R):c.-69G>A

Gene: F2R (coagulation factor II thrombin receptor; plus strand). Cytogenetic location: 5q13.3.
Variant type: single nucleotide variant.
Coding change: c.-69G>A on transcript NM_001992.5 (MANE Select); 69 bases upstream of the start codon, G replaced by A.
Molecular consequence: 5 prime UTR variant.
Genome position (GRCh38, 1-based): chr5:76,716,239, G>A. VCF-style: chr5-76716239-G-A. GRCh37 (hg19) VCF-style: chr5-76012064-G-A.
Other names: c.-554G>A (NM_001311313.2).
Identifiers: ClinVar variation 3038746 (VCV003038746.2), dbSNP rs2227745, ClinGen allele CA121033661.

ClinVar aggregate classification (germline): Benign (0 of 4 stars; one submission).

Conditions:
F2R-related disorder. Also called: F2R-related condition.

Allele frequency attached by ClinVar (database versions not stated): gnomAD exomes 0.00026; 1000 Genomes Project 30x 0.00312; gnomAD 0.00322; 1000 Genomes Project 0.00339; TOPMed 0.00357.
gnomAD v4.1: 803 of 1,235,352 alleles (0.065%); highest among the groups gnomAD compares: African/African-American, 1.1%; 7 homozygotes.

Submission:

PreventionGenetics, part of Exact Sciences
Classification: Benign for F2R-related condition. Last evaluated: 2019-05-21. Review status: no assertion criteria provided. Collection method: clinical testing. Allele origin: germline.
Comment: This variant is classified as benign based on ACMG/AMP sequence variant interpretation guidelines (Richards et al. 2015 PMID: 25741868, with internal and published modifications).